The following is an entry in ClinVar:

NM_001161352.2(KCNMA1):c.1227C>T (p.His409=)

Gene: KCNMA1 (potassium calcium-activated channel subfamily M alpha 1; minus strand). Cytogenetic location: 10q22.3.
Variant type: single nucleotide variant.
Coding change: c.1227C>T on transcript NM_001161352.2 (MANE Select); coding-DNA position 1227, C replaced by T.
Protein change: p.His409=; no amino-acid change (histidine 409 retained).
Molecular consequence: synonymous variant.
Genome position (GRCh38, 1-based): chr10:77,090,507, G>A on the plus strand (C>T on the coding strand, the complement: KCNMA1 is on the minus strand). VCF-style: chr10-77090507-G-A. GRCh37 (hg19) VCF-style: chr10-78850265-G-A.
Other names: c.1227C>T, p.His409= (NM_001014797.3, NM_001161353.2, NM_001271519.2 and 7 more transcripts); c.1065C>T, p.His355= (NM_001271518.2); c.687C>T, p.His229= (NM_001322838.2).
Identifiers: ClinVar variation 771950 (VCV000771950.24), dbSNP rs202161397, ClinGen allele CA5568494.

ClinVar aggregate classification (germline): Conflicting classifications of pathogenicity. Review status: criteria provided, conflicting classifications (1 of 4 stars). 5 submissions from 5 submitters: Uncertain significance (1); Likely benign (3). 1 of the submissions does not count toward it. Last evaluated 2025-12-01.

Conditions:
KCNMA1-related disorder. Also called: KCNMA1-related condition; KCNMA1-related disorders.
Generalized epilepsy-paroxysmal dyskinesia syndrome (PNKD3). Also called: Generalized epilepsy and paroxysmal dyskinesia; Paroxysmal nonkinesigenic dyskinesia, 3, with or without generalized epilepsy. Identifiers: Orphanet 79137, MedGen C5574945, MONDO:0012276, OMIM 609446.

Allele frequency attached by ClinVar (database versions not stated): gnomAD exomes 0.00003 and 0.00006; TOPMed 0.00003; ExAC 0.00004; gnomAD 0.00004.
gnomAD v4.1: 96 of 1,610,240 alleles (0.006%); highest among the groups gnomAD compares: Non-Finnish European, 0.0081%; no homozygotes.

Submissions (5):

CeGaT Center for Human Genetics Tuebingen
Classification: Likely benign. Last evaluated: 2025-12-01. Review status: criteria provided, single submitter. Criteria: CeGaT Center For Human Genetics Tuebingen Variant Classification Criteria Version 2. Collection method: clinical testing. Allele origin: germline. Affected: yes. Observed: 1 variant allele.
Comment: KCNMA1: BP4, BP7

Labcorp Genetics (formerly Invitae), Labcorp
Classification: Likely benign for Generalized epilepsy-paroxysmal dyskinesia syndrome. Last evaluated: 2025-01-23. Review status: criteria provided, single submitter. Criteria: Invitae Variant Classification Sherloc (09022015). Collection method: clinical testing. Allele origin: germline.

GeneDx
Classification: Likely benign. Last evaluated: 2020-12-18. Review status: criteria provided, single submitter. Criteria: GeneDx Variant Classification Process June 2021. Collection method: clinical testing. Allele origin: germline. Affected: yes.

Illumina Laboratory Services, Illumina
Classification: Uncertain significance for Generalized epilepsy-paroxysmal dyskinesia syndrome. Last evaluated: 2018-01-12. Review status: criteria provided, single submitter. Criteria: ICSL Variant Classification Criteria 13 December 2019. Collection method: clinical testing. Allele origin: germline.

PreventionGenetics, part of Exact Sciences
Classification: Likely benign for KCNMA1-related condition. Last evaluated: 2022-11-30. Review status: no assertion criteria provided. Collection method: clinical testing. Allele origin: germline. Not counted in ClinVar's aggregate classification.
Comment: This variant is classified as likely benign based on ACMG/AMP sequence variant interpretation guidelines (Richards et al. 2015 PMID: 25741868, with internal and published modifications).